The following is an entry in ClinVar:

NM_001206927.2(DNAH8):c.11123C>T (p.Thr3708Ile)

Genes: DNAH8 (dynein axonemal heavy chain 8; plus strand), DNAH8-AS1 (DNAH8 antisense RNA 1; minus strand). Cytogenetic location: 6p21.2.
Variant type: single nucleotide variant.
Coding change: c.11123C>T on transcript NM_001206927.2 (MANE Select); coding-DNA position 11123, C replaced by T.
Protein change: p.Thr3708Ile; replaces threonine 3708 with isoleucine.
Molecular consequence: missense variant.
Genome position (GRCh38, 1-based): chr6:38,929,515, C>T. VCF-style: chr6-38929515-C-T. GRCh37 (hg19) VCF-style: chr6-38897291-C-T.
Other names: c.10472C>T, p.Thr3491Ile (NM_001371.4); short protein forms T3491I, T3708I.
Identifiers: ClinVar variation 1422628 (VCV001422628.6), dbSNP rs776651442, ClinGen allele CA3790933.

ClinVar aggregate classification (germline): Uncertain significance (1 of 4 stars; one submission).

Conditions:
Primary ciliary dyskinesia. Also called: Ciliary dyskinesia. Identifiers: Orphanet 244, MedGen C0008780, MONDO:0016575, HP:0012265.

Allele frequency attached by ClinVar (database versions not stated): ExAC 0.00001; gnomAD 0.00001; gnomAD exomes 0.00001 and 0.00002; TOPMed 0.00001.
gnomAD v4.1: 16 of 1,608,274 alleles (0.00099%); highest among the groups gnomAD compares: Middle Eastern, 0.017%; no homozygotes.

Submission:

Labcorp Genetics (formerly Invitae), Labcorp
Classification: Uncertain significance for Primary ciliary dyskinesia. Last evaluated: 2023-09-27. Review status: criteria provided, single submitter. Criteria: Invitae Variant Classification Sherloc (09022015). Collection method: clinical testing. Allele origin: germline.
Comment: This sequence change replaces threonine, which is neutral and polar, with isoleucine, which is neutral and non-polar, at codon 3708 of the DNAH8 protein (p.Thr3708Ile). This variant is present in population databases (rs776651442, gnomAD 0.003%). This variant has not been reported in the literature in individuals affected with DNAH8-related conditions. ClinVar contains an entry for this variant (Variation ID: 1422628). Advanced modeling of protein sequence and biophysical properties (such as structural, functional, and spatial information, amino acid conservation, physicochemical variation, residue mobility, and thermodynamic stability) performed at Invitae indicates that this missense variant is not expected to disrupt DNAH8 protein function. In summary, the available evidence is currently insufficient to determine the role of this variant in disease. Therefore, it has been classified as a Variant of Uncertain Significance.